The following is an entry in ClinVar:

NM_004168.4(SDHA):c.1748A>G (p.Glu583Gly)

Gene: SDHA (succinate dehydrogenase complex flavoprotein subunit A; plus strand). Cytogenetic location: 5p15.33.
Variant type: single nucleotide variant.
Coding change: c.1748A>G on transcript NM_004168.4 (MANE Select); coding-DNA position 1748, A replaced by G.
Protein change: p.Glu583Gly; replaces glutamic acid 583 with glycine.
Molecular consequence: missense variant. On other transcripts: intron variant (1).
Genome position (GRCh38, 1-based): chr5:251,422, A>G. VCF-style: chr5-251422-A-G. GRCh37 (hg19) VCF-style: chr5-251537-A-G.
Other names: c.1604A>G, p.Glu535Gly (NM_001294332.2); c.1552-2971A>G (NM_001330758.2); short protein forms E535G, E583G.
Identifiers: ClinVar variation 3372685 (VCV003372685.1).

ClinVar aggregate classification (germline): Uncertain significance (1 of 4 stars; one submission).

Submission:

GeneDx
Classification: Uncertain significance. Last evaluated: 2024-04-16. Review status: criteria provided, single submitter. Criteria: GeneDx Variant Classification Process June 2021. Collection method: clinical testing. Allele origin: germline. Affected: yes.
Comment: Not observed at significant frequency in large population cohorts (gnomAD); In silico analysis supports that this missense variant has a deleterious effect on protein structure/function; Has not been previously published as pathogenic or benign to our knowledge